The following is an entry in ClinVar:

NM_000321.3(RB1):c.2325+1G>A

Gene: RB1 (RB transcriptional corepressor 1; plus strand). Cytogenetic location: 13q14.2.
Variant type: single nucleotide variant.
Coding change: c.2325+1G>A on transcript NM_000321.3 (MANE Select); the canonical splice donor site of the intron after coding-DNA position 2325, G replaced by A.
Molecular consequence: splice donor variant.
Genome position (GRCh38, 1-based): chr13:48,465,112, G>A. VCF-style: chr13-48465112-G-A. GRCh37 (hg19) VCF-style: chr13-49039248-G-A.
Other names: c.2325+1G>A (NM_001407165.1).
Identifiers: ClinVar variation 428709 (VCV000428709.19), dbSNP rs1131690882, ClinGen allele CA388167737.

ClinVar aggregate classification (germline): Pathogenic. Review status: criteria provided, multiple submitters, no conflicts (2 of 4 stars). 4 submissions from 4 submitters: Pathogenic (4). Last evaluated 2026-05-29.

Conditions:
Retinoblastoma (RB1). Also called: RETINOBLASTOMA, SOMATIC. Identifiers: Orphanet 790, MedGen C0035335, MeSH D012175, MONDO:0008380, OMIM 180200, HP:0009919. Disease mechanism: loss of function. Inheritance: Both sporadic and heritable forms are tested..
Hereditary cancer-predisposing syndrome. Also called: Hereditary neoplastic syndrome; Neoplastic Syndromes, Hereditary; Tumor predisposition; Hereditary Cancer Syndrome. Identifiers: Orphanet 140162, MedGen C0027672, MeSH D009386, MONDO:0015356.

Submissions (6):

Diller/Parad Lab, Dana-Farber/Harvard Cancer Center
Classification: Pathogenic for Retinoblastoma. Last evaluated: 2026-05-29. Review status: criteria provided, single submitter. Criteria: ACMG Guidelines, 2015. Collection method: research. Allele origin: germline. Affected: yes.
Comment: It has been classified as Pathogenic using Richards et al (PMID:25741868) based on the following evidence codes: PM2, PVS1, PP3.

Genetic Diagnostic Laboratory, University of Pennsylvania School of Medicine
Classification: Pathogenic for Retinoblastoma. Last evaluated: 2024-05-20. Review status: criteria provided, single submitter. Criteria: ACMG Guidelines, 2015. Collection method: clinical testing. Allele origin: germline. Affected: yes. Observed: 2 variant alleles.
Comment: Case and Pedigree Information: BILATERAL CASES:2, UNILATERAL CASES:0, TOTAL CASES:2, PEDIGREES:2. ACMG Codes Applied:PVS1, PM2

Labcorp Genetics (formerly Invitae), Labcorp
Classification: Pathogenic for Retinoblastoma. Last evaluated: 2022-11-29. Review status: criteria provided, single submitter. Criteria: Invitae Variant Classification Sherloc (09022015). Collection method: clinical testing. Allele origin: germline.
Comment: This variant is not present in population databases (gnomAD no frequency). This sequence change affects a donor splice site in intron 22 of the RB1 gene. It is expected to disrupt RNA splicing. Variants that disrupt the donor or acceptor splice site typically lead to a loss of protein function (PMID: 16199547), and loss-of-function variants in RB1 are known to be pathogenic (PMID: 17096365). Disruption of this splice site has been observed in individual(s) with retinoblastoma (PMID: 15884040, 27582626, 28193182). In at least one individual the variant was observed to be de novo. For these reasons, this variant has been classified as Pathogenic. Algorithms developed to predict the effect of sequence changes on RNA splicing suggest that this variant may disrupt the consensus splice site. ClinVar contains an entry for this variant (Variation ID: 428709). This variant is also known as c.2463+1G>A.

Ambry Genetics
Classification: Pathogenic for Hereditary cancer-predisposing syndrome. Last evaluated: 2019-05-17. Review status: criteria provided, single submitter. Criteria: Ambry Variant Classification Scheme 2023. Collection method: clinical testing. Allele origin: germline.
Comment: The c.2325+1G>A intronic pathogenic mutation results from a G to A substitution one nucleotide after coding exon 22 of the RB1 gene. This mutation, referred to as c.2463+1G>A, has been reported in the germline of an individual with bilateral retinoblastoma (Nichols KE et al. Hum. Mutat. 2005 Jun;25(6):566-74). It was also seen in an Indian retinoblastoma cohort (Singh J et al. Mol. Vis. 2016 Aug;22:1036-47). In addition to the clinical data presented in the literature, alterations that disrupt the canonical splice site are expected to cause aberrant splicing, resulting in an abnormal protein or a transcript that is subject to nonsense-mediated mRNA decay. As such, this alteration is classified as a disease-causing mutation.

Dr. Peter K. Rogan Lab, Western University
No classification provided (evidence only). Condition: Malignant tumor of urinary bladder. Review status: no classification provided. Collection method: in vitro. Allele origin: not applicable. Functional consequence: skipped exon, retained intron. Not counted in ClinVar's aggregate classification.

MutSpliceDB: a database of splice sites variants effects on splicing, NIH
No classification provided (evidence only). Review status: no classification provided. Collection method: in vivo. Allele origin: not applicable. Functional consequence: retained intron. Not counted in ClinVar's aggregate classification.

Literature cited by the submitters: PubMed 16199547 (cited by Labcorp Genetics (formerly Invitae), Labcorp); PubMed 17096365 (cited by Labcorp Genetics (formerly Invitae), Labcorp); PubMed 15884040 (cited by Labcorp Genetics (formerly Invitae), Labcorp and Ambry Genetics); PubMed 27582626 (cited by Labcorp Genetics (formerly Invitae), Labcorp and Ambry Genetics); PubMed 28193182 (cited by Labcorp Genetics (formerly Invitae), Labcorp).